The following is an entry in ClinVar:

ClinVar aggregate classification (germline): Likely pathogenic. Review status: criteria provided, multiple submitters, no conflicts (2 of 4 stars). 2 submissions from 2 submitters: Likely pathogenic (2). Last evaluated 2026-04-16.

Conditions:
Hereditary spastic paraplegia 7 (SPG7). Also called: Spastic paraplegia 7; Hereditary spastic paraplegia Paraplegin type; SPG7-related neurologic disorder; Autosomal recessive spastic paraplegia type 7; SPASTIC PARAPLEGIA 7, AUTOSOMAL RECESSIVE, WITH OR WITHOUT CEREBELLAR ATAXIA. Identifiers: Orphanet 99013, MedGen C1846564, MONDO:0011803, OMIM 607259.

Submissions (2):

Dasa
Classification: Likely pathogenic. Last evaluated: 2026-04-16. Review status: criteria provided, single submitter. Criteria: DASA Assertion Criteria. Collection method: clinical testing. Allele origin: germline.
Comment: NM_003119.4(SPG7):c.1997G>T (p.Gly666Val) is a missense variant that results in the substitution of glycine with valine. The affected residue or protein region has prior evidence supporting clinical relevance. This variant has been recurrently observed in individuals with SPG7-related disorders (PMID: 34782662; PMID: 34847171; PMID: 31231294). Also, this variant is rare in population databases. Computational evidence supports a deleterious effect. Based on the currently available evidence, this variant is classified as likely pathogenic.

Mendelics
Classification: Likely pathogenic for Hereditary spastic paraplegia 7. Last evaluated: 2019-05-28. Review status: criteria provided, single submitter. Criteria: Mendelics Assertion Criteria 2017. Collection method: clinical testing. Allele origin: unknown.

Literature cited by the submitters: PubMed 34782662 (cited by Dasa); PubMed 34847171 (cited by Dasa); PubMed 31231294 (cited by Dasa).

NM_003119.4(SPG7):c.1997G>T (p.Gly666Val)

Gene: SPG7 (SPG7 matrix AAA peptidase subunit, paraplegin; plus strand). Cytogenetic location: 16q24.3.
Variant type: single nucleotide variant.
Coding change: c.1997G>T on transcript NM_003119.4 (MANE Select); coding-DNA position 1997, G replaced by T.
Protein change: p.Gly666Val; replaces glycine 666 with valine.
Molecular consequence: missense variant.
Genome position (GRCh38, 1-based): chr16:89,553,854, G>T. VCF-style: chr16-89553854-G-T. GRCh37 (hg19) VCF-style: chr16-89620262-G-T.
Other names: c.1997G>T, p.Gly666Val (NM_001363850.1); short protein forms G666V.
Identifiers: ClinVar variation 803288 (VCV000803288.3), dbSNP rs1597665080, ClinGen allele CA397433950.
Genomic context (GRCh38, chr16:89,553,854, plus strand): 5'-GGGCACAGGACGACCTGAGGAAGGTCACCCGCATCGCCTACTCCATGGTGAAGCAGTTTG[G>T]GATGGCACCTGGCATCGGGCCCATCTCCTTCCCTGAGGCGCAGGAGGGCCTCATGGGCAT-3'
Protein context (NP_003110.1, residues 656-676): RIAYSMVKQF[Gly666Val]MAPGIGPISF